The following is an entry in ClinVar:

NM_004958.4(MTOR):c.2996_2997delinsTT (p.Asn999Ile)

Gene: MTOR (mechanistic target of rapamycin kinase; minus strand). Cytogenetic location: 1p36.22.
Variant type: Indel.
Coding change: c.2996_2997delinsTT on transcript NM_004958.4 (MANE Select); coding-DNA positions 2996 to 2997, AC replaced by TT.
Protein change: p.Asn999Ile; replaces asparagine 999 with isoleucine.
Molecular consequence: missense variant.
Genome position (GRCh38, 1-based): chr1:11,228,701-11,228,702, GT replaced by AA on the plus strand (AC replaced by TT on the coding strand, the reverse complement: MTOR is on the minus strand). VCF-style: chr1-11228701-GT-AA. GRCh37 (hg19) VCF-style: chr1-11288758-GT-AA.
Other names: c.2996_2997delinsTT, p.Asn999Ile (NM_001386500.1); c.1748_1749delinsTT, p.Asn583Ile (NM_001386501.1); short protein forms N999I, N583I.
Identifiers: ClinVar variation 1438743 (VCV001438743.6), dbSNP rs2100854551, ClinGen allele CA2573130653.

ClinVar aggregate classification (germline): Uncertain significance (1 of 4 stars; one submission).

Submission:

Labcorp Genetics (formerly Invitae), Labcorp
Classification: Uncertain significance. Last evaluated: 2022-05-05. Review status: criteria provided, single submitter. Criteria: Invitae Variant Classification Sherloc (09022015). Collection method: clinical testing. Allele origin: germline.
Comment: This sequence change replaces asparagine, which is neutral and polar, with isoleucine, which is neutral and non-polar, at codon 999 of the MTOR protein (p.Asn999Ile). The frequency data for this variant in the population databases is considered unreliable, as metrics indicate poor data quality at this position in the gnomAD database. This variant has not been reported in the literature in individuals affected with MTOR-related conditions. Algorithms developed to predict the effect of missense changes on protein structure and function are either unavailable or do not agree on the potential impact of this missense change (SIFT: "Not Available"; PolyPhen-2: "Benign"; Align-GVGD: "Not Available"). In summary, the available evidence is currently insufficient to determine the role of this variant in disease. Therefore, it has been classified as a Variant of Uncertain Significance.